The following is an entry in ClinVar:

ClinVar aggregate classification (germline): Uncertain significance. Review status: criteria provided, multiple submitters, no conflicts (2 of 4 stars). 2 submissions from 2 submitters: Uncertain significance (2). Last evaluated 2025-11-19.

Conditions:
Familial melanoma. Also called: Hereditary melanoma; Hereditary cutaneous melanoma. Identifiers: Orphanet 618, MedGen C1512419, MONDO:0018961.
Hereditary cancer-predisposing syndrome. Also called: Neoplastic Syndromes, Hereditary; Tumor predisposition; Hereditary Cancer Syndrome; Hereditary neoplastic syndrome. Identifiers: Orphanet 140162, MedGen C0027672, MeSH D009386, MONDO:0015356.

Submissions (2):

Ambry Genetics
Classification: Uncertain significance for Hereditary cancer-predisposing syndrome. Last evaluated: 2025-11-19. Review status: criteria provided, single submitter. Criteria: Ambry Variant Classification Scheme 2023. Collection method: clinical testing. Allele origin: germline.
Comment: The c.477delT variant, located in coding exon 3 of the CDK4 gene, results from a deletion of one nucleotide at nucleotide position 477, causing a translational frameshift with a predicted alternate stop codon (p.F159Lfs*71). This alteration is expected to result in premature protein truncation or nonsense-mediated mRNA decay. However, loss of function of CDK4 has not been clearly established as a mechanism of disease. Based on the available evidence, the clinical significance of this variant remains unclear.

Labcorp Genetics (formerly Invitae), Labcorp
Classification: Uncertain significance for Familial melanoma. Last evaluated: 2025-08-24. Review status: criteria provided, single submitter. Criteria: Invitae Variant Classification Sherloc (09022015). Collection method: clinical testing. Allele origin: germline.
Comment: This sequence change creates a premature translational stop signal (p.Phe159Leufs*71) in the CDK4 gene. It is expected to result in an absent or disrupted protein product. However, the current clinical and genetic evidence is not sufficient to establish whether loss-of-function variants in CDK4 cause disease. This variant is not present in population databases (gnomAD no frequency). This variant has not been reported in the literature in individuals affected with CDK4-related conditions. ClinVar contains an entry for this variant (Variation ID: 186526). In summary, the available evidence is currently insufficient to determine the role of this variant in disease. Therefore, it has been classified as a Variant of Uncertain Significance.

NM_000075.4(CDK4):c.477del (p.Phe159fs)

Gene: CDK4 (cyclin dependent kinase 4; minus strand). Cytogenetic location: 12q14.1.
Variant type: Deletion.
Coding change: c.477del on transcript NM_000075.4 (MANE Select); coding-DNA position 477, one base deleted (T; older notation c.477delT).
Protein change: p.Phe159fs; shifts the reading frame from phenylalanine 159.
Molecular consequence: frameshift variant.
Genome position (GRCh38, 1-based): chr12:57,750,968, A deleted on the plus strand (T on the coding strand, the reverse complement: CDK4 is on the minus strand); the first of 3 consecutive A bases (chr12:57,750,968-57,750,970); deleting any one gives the same sequence. VCF-style (leftmost placement, unchanged base first): chr12-57750967-CA-C. GRCh37 (hg19) VCF-style: chr12-58144750-CA-C.
Other names: short protein forms F159fs.
Identifiers: ClinVar variation 186526 (VCV000186526.13), dbSNP rs786203016, ClinGen allele CA195087.